The following is an entry in ClinVar:

NM_001349253.2(SCN11A):c.2009G>A (p.Arg670His)

Gene: SCN11A (sodium voltage-gated channel alpha subunit 11; minus strand). Cytogenetic location: 3p22.2.
Variant type: single nucleotide variant.
Coding change: c.2009G>A on transcript NM_001349253.2 (MANE Select); coding-DNA position 2009, G replaced by A.
Protein change: p.Arg670His; replaces arginine 670 with histidine.
Molecular consequence: missense variant.
Genome position (GRCh38, 1-based): chr3:38,899,907, C>T on the plus strand (G>A on the coding strand, the complement: SCN11A is on the minus strand). VCF-style: chr3-38899907-C-T. GRCh37 (hg19) VCF-style: chr3-38941398-C-T.
Other names: c.2009G>A, p.Arg670His (NM_014139.3); short protein forms R670H.
Identifiers: ClinVar variation 581438 (VCV000581438.12), dbSNP rs199807325, ClinGen allele CA2322154.

ClinVar aggregate classification (germline): Conflicting classifications of pathogenicity. Review status: criteria provided, conflicting classifications (1 of 4 stars). 3 submissions from 3 submitters: Uncertain significance (1); Likely benign (2). Last evaluated 2025-12-09.

Conditions:
Hereditary sensory and autonomic neuropathy type 7. Also called: HSAN VII; Neuropathy, hereditary sensory and autonomic, type VII. Identifiers: Orphanet 391397, MedGen C3809882, MONDO:0014244, OMIM 615548.
Familial episodic pain syndrome with predominantly lower limb involvement. Also called: Episodic pain syndrome, familial, 3. Identifiers: Orphanet 391384, Orphanet 391392, MedGen C3809899, MONDO:0014247, OMIM 615552.

Allele frequency attached by ClinVar (database versions not stated): ExAC 0.00004; gnomAD exomes 0.00004; TOPMed 0.00004; gnomAD 0.00005 and 0.00006.
gnomAD v4.1: 56 of 1,613,500 alleles (0.0035%); highest among the groups gnomAD compares: Admixed American, 0.01%; no homozygotes.

Submissions (3):

Women's Health and Genetics/Laboratory Corporation of America, LabCorp
Classification: Likely benign. Last evaluated: 2025-12-09. Review status: criteria provided, single submitter. Criteria: LabCorp Variant Classification Summary - May 2015. Collection method: clinical testing. Allele origin: germline.
Comment: Variant summary: SCN11A c.2009G>A (p.Arg670His) results in a non-conservative amino acid change in the encoded protein sequence. Algorithms developed to predict the effect of missense changes on protein structure and function are either unavailable or do not agree on the potential impact of this missense change. The variant allele was found at a frequency of 3.5e-05 in 1613500 control chromosomes. The observed variant frequency exceeds the estimated maximal expected allele frequency for disease-causing variants in SCN11A. To our knowledge, no occurrence of c.2009G>A in individuals affected with SCN11A-related conditions and no experimental evidence demonstrating its impact on protein function have been reported. ClinVar contains an entry for this variant (Variation ID: 581438). Based on the evidence outlined above, the variant was classified as likely benign.

Labcorp Genetics (formerly Invitae), Labcorp
Classification: Likely benign for Familial episodic pain syndrome with predominantly lower limb involvement; Hereditary sensory and autonomic neuropathy type 7. Last evaluated: 2024-12-16. Review status: criteria provided, single submitter. Criteria: Invitae Variant Classification Sherloc (09022015). Collection method: clinical testing. Allele origin: germline.

GeneDx
Classification: Uncertain significance. Last evaluated: 2023-09-14. Review status: criteria provided, single submitter. Criteria: GeneDx Variant Classification Process June 2021. Collection method: clinical testing. Allele origin: germline. Affected: yes.
Comment: In silico analysis supports that this missense variant has a deleterious effect on protein structure/function; Has not been previously published as pathogenic or benign to our knowledge